The following is an entry in ClinVar:

NM_007294.4(BRCA1):c.5152+188dup

Gene: BRCA1 (BRCA1 DNA repair associated; minus strand). Cytogenetic location: 17q21.31.
Variant type: Duplication.
Coding change: c.5152+188dup on transcript NM_007294.4 (MANE Select); 188 bases into the intron after coding-DNA position 5152, one base duplicated (A; older notation c.5152+188dupA).
Molecular consequence: intron variant.
Genome position (GRCh38, 1-based): chr17:43,063,686, T duplicated on the plus strand (A on the coding strand, the reverse complement: BRCA1 is on the minus strand); the first of 4 consecutive T bases (chr17:43,063,686-43,063,689); duplicating any one gives the same sequence. VCF-style (leftmost placement, unchanged base first): chr17-43063685-A-AT. GRCh37 (hg19) VCF-style: chr17-41215702-A-AT.
Other names: c.1699+188dup (NM_001408458.1, NM_001408461.1, NM_001408464.1 and 7 more transcripts); c.4261+188dup (NM_001407967.1); c.4771+188dup (NM_001407959.1); c.4885+188dup (NM_001407931.1, NM_001407932.1, NM_001407928.1 and 4 more transcripts); c.5008+188dup (NM_001407747.1, NM_001407745.1, NM_001407737.1 and 21 more transcripts); c.4768+188dup (NM_001407962.1, NM_001407960.1); c.1339+188dup (NM_001408512.1); c.1462+188dup (NM_001408510.1); and 73 more.
Identifiers: ClinVar variation 264842 (VCV000264842.2), dbSNP rs542231412, ClinGen allele CA10588200.

ClinVar aggregate classification (germline): Benign (3 of 4 stars; one submission).

Conditions:
Breast-ovarian cancer, familial, susceptibility to, 1 (BROVCA1). Also called: BRCA1 Hereditary Breast and Ovarian Cancer; OVARIAN CANCER, SUSCEPTIBILITY TO. Identifiers: Orphanet 145, MedGen C2676676, MONDO:0011450, OMIM 604370. Disease mechanism: loss of function.

Submission:

Evidence-based Network for the Interpretation of Germline Mutant Alleles (ENIGMA)
Classification: Benign for Breast-ovarian cancer, familial, susceptibility to, 1. Last evaluated: 2016-09-28. Review status: reviewed by expert panel. Criteria: ENIGMA BRCA1/2 Classification Criteria (2015). Collection method: curation. Allele origin: germline.
Comment: Class 1 not pathogenic based on frequency >1% in an outbred sampleset. Frequency 0.0106 (African), derived from 1000 genomes (2013-05-02).